The following is an entry in ClinVar:

ClinVar aggregate classification (germline): Uncertain significance (1 of 4 stars; one submission).

Conditions:
Nephronophthisis. Also called: Juvenile Nephronophthisis. Identifiers: Orphanet 655, MedGen C0687120, MONDO:0019005, HP:0000090.

Submission:

Labcorp Genetics (formerly Invitae), Labcorp
Classification: Uncertain significance for Nephronophthisis. Last evaluated: 2021-10-05. Review status: criteria provided, single submitter. Criteria: Invitae Variant Classification Sherloc (09022015). Collection method: clinical testing. Allele origin: germline.
Comment: In summary, the available evidence is currently insufficient to determine the role of this variant in disease. Therefore, it has been classified as a Variant of Uncertain Significance. Algorithms developed to predict the effect of missense changes on protein structure and function are either unavailable or do not agree on the potential impact of this missense change (SIFT: "Deleterious"; PolyPhen-2: "Possibly Damaging"; Align-GVGD: "Class C0"). This variant has not been reported in the literature in individuals affected with NPHP3-related conditions. This variant is not present in population databases (ExAC no frequency). This sequence change replaces glutamic acid with glutamine at codon 377 of the NPHP3 protein (p.Glu377Gln). The glutamic acid residue is highly conserved and there is a small physicochemical difference between glutamic acid and glutamine.

NM_153240.5(NPHP3):c.1129G>C (p.Glu377Gln)

Genes: NPHP3 (nephrocystin 3; minus strand), NPHP3-ACAD11 (NPHP3-ACAD11 readthrough (NMD candidate); minus strand). Cytogenetic location: 3q22.1.
Variant type: single nucleotide variant.
Coding change: c.1129G>C on transcript NM_153240.5 (MANE Select); coding-DNA position 1129, G replaced by C.
Protein change: p.Glu377Gln; replaces glutamic acid 377 with glutamine.
Molecular consequence: missense variant. On other transcripts: non-coding transcript variant (1).
Genome position (GRCh38, 1-based): chr3:132,708,247, C>G on the plus strand (G>C on the coding strand, the complement: NPHP3 is on the minus strand). VCF-style: chr3-132708247-C-G. GRCh37 (hg19) VCF-style: chr3-132427091-C-G.
Other names: short protein forms E377Q.
Identifiers: ClinVar variation 1419210 (VCV001419210.6), dbSNP rs2107990706, ClinGen allele CA354585297.